The following is an entry in ClinVar:

ClinVar aggregate classification (germline): Uncertain significance (1 of 4 stars; one submission).

Submission:

GeneDx
Classification: Uncertain significance. Last evaluated: 2024-04-26. Review status: criteria provided, single submitter. Criteria: GeneDx Variant Classification Process June 2021. Collection method: clinical testing. Allele origin: germline. Affected: yes.
Comment: Not observed at significant frequency in large population cohorts (gnomAD); In silico analysis indicates that this missense variant does not alter protein structure/function; In silico analysis suggests this variant may impact gene splicing. In the absence of RNA/functional studies, the actual effect of this sequence change is unknown.; Has not been previously published as pathogenic or benign to our knowledge

NM_001378452.1(ITPR1):c.2558T>A (p.Phe853Tyr)

Gene: ITPR1 (inositol 1,4,5-trisphosphate receptor type 1; plus strand). Cytogenetic location: 3p26.1.
Variant type: single nucleotide variant.
Coding change: c.2558T>A on transcript NM_001378452.1 (MANE Select); coding-DNA position 2558, T replaced by A.
Protein change: p.Phe853Tyr; replaces phenylalanine 853 with tyrosine.
Molecular consequence: missense variant.
Genome position (GRCh38, 1-based): chr3:4,674,303, T>A. VCF-style: chr3-4674303-T-A. GRCh37 (hg19) VCF-style: chr3-4715987-T-A.
Other names: c.2558T>A, p.Phe853Tyr (NM_001099952.4); c.2513T>A, p.Phe838Tyr (NM_001168272.2, NM_002222.7); short protein forms F838Y, F853Y.
Identifiers: ClinVar variation 3372621 (VCV003372621.1).
Genomic context (GRCh38, chr3:4,674,303, plus strand): 5'-GATTTGCTCAGACCATGGAGTTTGTGGAGGAGTATTTAAGAGATGTGGTTTGTCAGAGGT[T>A]CCCTTTCTCTGATAAAGAGAAGAATAAGCTTACGTTTGAGGTAACTCATGATGAAATCTT-3'
Protein context (NP_001365381.1, residues 843-863): EYLRDVVCQR[Phe853Tyr]PFSDKEKNKL